The following is an entry in ClinVar:

NM_015909.4(NBAS):c.891G>A (p.Pro297=)

Gene: NBAS (NBAS subunit of NRZ tethering complex; minus strand). Cytogenetic location: 2p24.3.
Variant type: single nucleotide variant.
Coding change: c.891G>A on transcript NM_015909.4 (MANE Select); coding-DNA position 891, G replaced by A.
Protein change: p.Pro297=; no amino-acid change (proline 297 retained).
Molecular consequence: synonymous variant. On other transcripts: non-coding transcript variant (1).
Genome position (GRCh38, 1-based): chr2:15,504,208, C>T on the plus strand (G>A on the coding strand, the complement: NBAS is on the minus strand). VCF-style: chr2-15504208-C-T. GRCh37 (hg19) VCF-style: chr2-15644332-C-T.
Identifiers: ClinVar variation 737589 (VCV000737589.15), dbSNP rs143803321, ClinGen allele CA1536868.

ClinVar aggregate classification (germline): Benign/Likely benign. Review status: criteria provided, multiple submitters, no conflicts (2 of 4 stars). 5 submissions from 5 submitters: Benign (2); Likely benign (2). 1 of the submissions does not count toward it. Last evaluated 2026-08-01.

Conditions:
NBAS-related disorder. Also called: NBAS-related condition.

Allele frequency attached by ClinVar (database versions not stated): gnomAD exomes 0.00010 and 0.00029; ExAC 0.00036; 1000 Genomes Project 0.00060; 1000 Genomes Project 30x 0.00062; ESP Exome Variant Server 0.00085; gnomAD 0.00091 and 0.00099; TOPMed 0.00108.
gnomAD v4.1: 284 of 1,610,868 alleles (0.018%); highest among the groups gnomAD compares: African/African-American, 0.34%; no homozygotes.

Submissions (5):

CeGaT Center for Human Genetics Tuebingen
Classification: Likely benign. Last evaluated: 2026-08-01. Review status: criteria provided, single submitter. Criteria: CeGaT Center For Human Genetics Tuebingen Variant Classification Criteria Version 2. Collection method: clinical testing. Allele origin: germline. Affected: yes. Observed: 1 variant allele.
Comment: NBAS: BP4, BP7

Labcorp Genetics (formerly Invitae), Labcorp
Classification: Benign. Last evaluated: 2026-01-16. Review status: criteria provided, single submitter. Criteria: Invitae Variant Classification Sherloc (09022015). Collection method: clinical testing. Allele origin: germline.

Blueprint Genetics
Classification: Likely benign. Last evaluated: 2024-10-02. Review status: criteria provided, single submitter. Criteria: ACMG Guidelines, 2015. Collection method: clinical testing. Allele origin: germline.

Breakthrough Genomics
Classification: Benign. Review status: criteria provided, single submitter. Criteria: ACMG Guidelines, 2015. Collection method: not provided. Allele origin: germline. Inheritance: Autosomal recessive inheritance. Affected: yes.

PreventionGenetics, part of Exact Sciences
Classification: Likely benign for NBAS-related condition. Last evaluated: 2019-07-10. Review status: no assertion criteria provided. Collection method: clinical testing. Allele origin: germline. Not counted in ClinVar's aggregate classification.
Comment: This variant is classified as likely benign based on ACMG/AMP sequence variant interpretation guidelines (Richards et al. 2015 PMID: 25741868, with internal and published modifications).